The following is an entry in ClinVar:

ClinVar aggregate classification (germline): Conflicting classifications of pathogenicity. Review status: criteria provided, conflicting classifications (1 of 4 stars). 5 submissions from 5 submitters: Uncertain significance (3); Likely benign (1). 1 of the submissions does not count toward it. Last evaluated 2025-11-24.

Conditions:
Autosomal dominant Parkinson disease 8. Also called: LRRK2-Related Parkinson Disease; Parkinson disease 8; Parkinson disease 8, susceptibility to. Identifiers: Orphanet 411602, MedGen C1846862, MONDO:0011764, OMIM 607060.

Allele frequency attached by ClinVar (database versions not stated): gnomAD exomes 0.00005; ExAC 0.00006; TOPMed 0.00007; gnomAD 0.00009; ESP Exome Variant Server 0.00015.
gnomAD v4.1: 144 of 1,613,914 alleles (0.0089%); highest among the groups gnomAD compares: Non-Finnish European, 0.011%; no homozygotes.

Submissions (5):

Labcorp Genetics (formerly Invitae), Labcorp
Classification: Uncertain significance for Autosomal dominant Parkinson disease 8. Last evaluated: 2025-11-24. Review status: criteria provided, single submitter. Criteria: Invitae Variant Classification Sherloc (09022015). Collection method: clinical testing. Allele origin: germline.
Comment: This sequence change replaces arginine, which is basic and polar, with histidine, which is basic and polar, at codon 2143 of the LRRK2 protein (p.Arg2143His). This variant is present in population databases (rs201271001, gnomAD 0.01%). This missense change has been observed in individual(s) with Parkinson disease (PMID: 18213618). ClinVar contains an entry for this variant (Variation ID: 39227). An algorithm developed to predict the effect of missense changes on protein structure and function outputs the following: PolyPhen-2: "Benign". The histidine amino acid residue is found in multiple mammalian species, which suggests that this missense change does not adversely affect protein function. Experimental studies have shown that this missense change does not substantially affect LRRK2 function (PMID: 20642453, 35950872). In summary, the available evidence is currently insufficient to determine the role of this variant in disease. Therefore, it has been classified as a Variant of Uncertain Significance.

Blueprint Genetics
Classification: Likely benign. Last evaluated: 2024-07-25. Review status: criteria provided, single submitter. Criteria: ACMG Guidelines, 2015. Collection method: clinical testing. Allele origin: germline.

Fulgent Genetics
Classification: Uncertain significance for Autosomal dominant Parkinson disease 8. Last evaluated: 2024-06-20. Review status: criteria provided, single submitter. Criteria: ACMG Guidelines, 2015. Collection method: clinical testing. Allele origin: germline.

Illumina Laboratory Services, Illumina
Classification: Uncertain significance for Autosomal dominant Parkinson disease 8. Last evaluated: 2017-04-28. Review status: criteria provided, single submitter. Criteria: ICSL Variant Classification Criteria 13 December 2019. Collection method: clinical testing. Allele origin: germline.
Comment: This variant was observed as part of a predisposition screen in an ostensibly healthy population. A literature search was performed for the gene, cDNA change, and amino acid change (where applicable). Publications were found based on this search. However, the evidence from the literature, in combination with allele frequency data from public databases where available, was not sufficient to rule this variant in or out of causing disease. Therefore, this variant is classified as a variant of unknown significance.

GeneReviews
No classification provided. Condition: Autosomal dominant Parkinson disease 8. Review status: no classification provided. Collection method: literature only. Allele origin: unknown. Not counted in ClinVar's aggregate classification.

Literature cited by the submitters: PubMed 18213618 (cited by Labcorp Genetics (formerly Invitae), Labcorp and Illumina Laboratory Services, Illumina); PubMed 20642453 (cited by Labcorp Genetics (formerly Invitae), Labcorp and Illumina Laboratory Services, Illumina); PubMed 35950872 (cited by Labcorp Genetics (formerly Invitae), Labcorp); PubMed 24488318 (cited by Illumina Laboratory Services, Illumina); PubMed 20301387 (cited by GeneReviews); NCBI Bookshelf NBK1208 (cited by GeneReviews).

NM_198578.4(LRRK2):c.6428G>A (p.Arg2143His)

Gene: LRRK2 (leucine rich repeat kinase 2; plus strand). Cytogenetic location: 12q12.
Variant type: single nucleotide variant.
Coding change: c.6428G>A on transcript NM_198578.4 (MANE Select); coding-DNA position 6428, G replaced by A.
Protein change: p.Arg2143His; replaces arginine 2143 with histidine.
Molecular consequence: missense variant.
Genome position (GRCh38, 1-based): chr12:40,351,585, G>A. VCF-style: chr12-40351585-G-A. GRCh37 (hg19) VCF-style: chr12-40745387-G-A.
Other names: short protein forms R2143H.
Identifiers: ClinVar variation 39227 (VCV000039227.13), dbSNP rs201271001, ClinGen allele CA343663.
Genomic context (GRCh38, chr12:40,351,585, plus strand): 5'-TTAAACTTTCTCAGGTCTTTGACATTTTGAATTCAGCTGAATTAGTCTGTCTGACGAGAC[G>A]CATTTTATTACCTAAAAACGTAATTGTTGAATGCATGGTTGCTACACATCACAACAGCAG-3'
Protein context (NP_940980.4, residues 2133-2153): NSAELVCLTR[Arg2143His]ILLPKNVIVE